The following is an entry in ClinVar:

NM_000256.3(MYBPC3):c.252_262del (p.Ser85fs)

Gene: MYBPC3 (myosin binding protein C3; minus strand). Cytogenetic location: 11p11.2.
Variant type: Deletion.
Coding change: c.252_262del on transcript NM_000256.3 (MANE Select); coding-DNA positions 252 to 262, 11 bases deleted (CTCCTCCAAGG).
Protein change: p.Ser85fs; shifts the reading frame from serine 85.
Molecular consequence: frameshift variant.
Genome position (GRCh38, 1-based): chr11:47,351,269-47,351,279, CCTTGGAGGAG deleted on the plus strand (CTCCTCCAAGG on the coding strand, the reverse complement: MYBPC3 is on the minus strand); deleting any 11 consecutive bases within chr11:47,351,269-47,351,281 gives the same sequence; the c. name uses the placement nearest the transcript's 3' end. VCF-style (leftmost placement, unchanged base first): chr11-47351268-ACCTTGGAGGAG-A. GRCh37 (hg19) VCF-style: chr11-47372819-ACCTTGGAGGAG-A.
Other names: c.250_260delGGCTCCTCCAA (NM_000256.3); c.252_262del11 (NM_000256.3); short protein forms S85fs.
Identifiers: ClinVar variation 920646 (VCV000920646.8), dbSNP rs2095900581, ClinGen allele CA1139661948.

ClinVar aggregate classification (germline): Pathogenic/Likely pathogenic. Review status: criteria provided, multiple submitters, no conflicts (2 of 4 stars). 4 submissions from 4 submitters: Pathogenic (3); Likely pathogenic (1). Last evaluated 2025-02-28.

Conditions:
Cardiovascular phenotype. Identifiers: MedGen CN230736.
Cardiomyopathy (CMYO). Also called: Cardiomyopathies. Identifiers: Orphanet 167848, MedGen C0878544, MONDO:0004994, HP:0001638. Inheritance: Various modes of inheritance.
Hypertrophic cardiomyopathy. Also called: HYPERTROPHIC MYOCARDIOPATHY. Identifiers: Orphanet 217569, MedGen C0007194, MeSH D002312, MONDO:0005045, HP:0001639.

Submissions (4):

Ambry Genetics
Classification: Pathogenic for Cardiovascular phenotype. Last evaluated: 2025-02-28. Review status: criteria provided, single submitter. Criteria: Ambry Variant Classification Scheme 2023. Collection method: clinical testing. Allele origin: germline.
Comment: The c.252_262del11 pathogenic mutation, located in coding exon 2 of the MYBPC3 gene, results from a deletion of 11 nucleotides at nucleotide positions 252 to 262, causing a translational frameshift with a predicted alternate stop codon (p.S85Qfs*24). This variant is considered to be rare based on population cohorts in the Genome Aggregation Database (gnomAD). This alteration is expected to result in loss of function by premature protein truncation or nonsense-mediated mRNA decay. As such, this alteration is interpreted as a disease-causing mutation.

Labcorp Genetics (formerly Invitae), Labcorp
Classification: Pathogenic for Hypertrophic cardiomyopathy. Last evaluated: 2024-01-25. Review status: criteria provided, single submitter. Criteria: Invitae Variant Classification Sherloc (09022015). Collection method: clinical testing. Allele origin: germline.
Comment: This sequence change creates a premature translational stop signal (p.Ser85Glnfs*24) in the MYBPC3 gene. It is expected to result in an absent or disrupted protein product. Loss-of-function variants in MYBPC3 are known to be pathogenic (PMID: 19574547). This variant is not present in population databases (gnomAD no frequency). This variant has not been reported in the literature in individuals affected with MYBPC3-related conditions. ClinVar contains an entry for this variant (Variation ID: 920646). For these reasons, this variant has been classified as Pathogenic.

Molecular Diagnostic Laboratory for Inherited Cardiovascular Disease, Montreal Heart Institute
Classification: Likely pathogenic for Cardiovascular phenotype. Last evaluated: 2020-07-20. Review status: criteria provided, single submitter. Criteria: ACMG Guidelines, 2015. Collection method: clinical testing. Allele origin: germline. Affected: yes.

Color Diagnostics, LLC DBA Color Health
Classification: Pathogenic for Cardiomyopathy. Last evaluated: 2019-11-15. Review status: criteria provided, single submitter. Criteria: ACMG Guidelines, 2015. Collection method: clinical testing. Allele origin: germline.
Comment: This variant deletes 11 nucleotides in exon 2 of the MYBPC3 gene, creating a frameshift and premature translation stop signal. This variant is expected to result in an absent or non-functional protein product. Splice site prediction tools suggest that this variant may not impact RNA splicing. To our knowledge, functional studies have not been performed for this variant. This variant has not been reported in individuals affected with cardiovascular disorders in the literature. This variant has not been identified in the general population by the Genome Aggregation Database (gnomAD). Loss of MYBPC3 function is a known mechanism of disease. Based on the available evidence, this variant is classified as Pathogenic.

Literature cited by the submitters: PubMed 19574547 (cited by Labcorp Genetics (formerly Invitae), Labcorp).